The following is an entry in ClinVar:

NM_001348800.3(ZBTB20):c.231C>T (p.Arg77=)

Genes: ZBTB20 (zinc finger and BTB domain containing 20; minus strand), ZBTB20-AS1 (ZBTB20 antisense RNA 1; plus strand). Cytogenetic location: 3q13.31.
Variant type: single nucleotide variant.
Coding change: c.231C>T on transcript NM_001348800.3 (MANE Select); coding-DNA position 231, C replaced by T.
Protein change: p.Arg77=; no amino-acid change (arginine 77 retained).
Molecular consequence: synonymous variant. On other transcripts: non-coding transcript variant (1).
Genome position (GRCh38, 1-based): chr3:114,351,847, G>A on the plus strand (C>T on the coding strand, the complement: ZBTB20 is on the minus strand). VCF-style: chr3-114351847-G-A. GRCh37 (hg19) VCF-style: chr3-114070694-G-A.
Other names: c.231C>T, p.Arg77= (NM_001164342.2, NM_001348803.3, NM_001393393.1 and 1 more transcripts); c.12C>T, p.Arg4= (NM_001164343.2, NM_001164344.4, NM_001164345.4 and 9 more transcripts).
Identifiers: ClinVar variation 740977 (VCV000740977.10), dbSNP rs775207179, ClinGen allele CA2551456.

ClinVar aggregate classification (germline): Likely benign. Review status: criteria provided, multiple submitters, no conflicts (2 of 4 stars). 2 submissions from 2 submitters: Likely benign (2). Last evaluated 2026-01-22.

Allele frequency attached by ClinVar (database versions not stated): TOPMed 0.00002; gnomAD exomes 0.00005 and 0.00012; ExAC 0.00012.
gnomAD v4.1: 29 of 1,599,868 alleles (0.0018%); highest among the groups gnomAD compares: Admixed American, 0.049%; no homozygotes.

Submissions (2):

Labcorp Genetics (formerly Invitae), Labcorp
Classification: Likely benign. Last evaluated: 2026-01-22. Review status: criteria provided, single submitter. Criteria: Invitae Variant Classification Sherloc (09022015). Collection method: clinical testing. Allele origin: germline.

CeGaT Center for Human Genetics Tuebingen
Classification: Likely benign. Last evaluated: 2025-12-01. Review status: criteria provided, single submitter. Criteria: CeGaT Center For Human Genetics Tuebingen Variant Classification Criteria Version 2. Collection method: clinical testing. Allele origin: germline. Affected: yes. Observed: 1 variant allele.
Comment: ZBTB20: BP4